The following is an entry in ClinVar:

ClinVar aggregate classification (germline): Uncertain significance (1 of 4 stars; one submission).

gnomAD v4.1: 13 of 1,613,926 alleles (0.00081%); highest among the groups gnomAD compares: East Asian, 0.0022%; no homozygotes.

Submission:

Labcorp Genetics (formerly Invitae), Labcorp
Classification: Uncertain significance. Last evaluated: 2024-08-10. Review status: criteria provided, single submitter. Criteria: Invitae Variant Classification Sherloc (09022015). Collection method: clinical testing. Allele origin: germline.
Comment: This sequence change replaces isoleucine, which is neutral and non-polar, with threonine, which is neutral and polar, at codon 304 of the WFS1 protein (p.Ile304Thr). This variant is present in population databases (no rsID available, gnomAD 0.006%). This variant has not been reported in the literature in individuals affected with WFS1-related conditions. Advanced modeling of protein sequence and biophysical properties (such as structural, functional, and spatial information, amino acid conservation, physicochemical variation, residue mobility, and thermodynamic stability) has been performed at Invitae for this missense variant, however the output from this modeling did not meet the statistical confidence thresholds required to predict the impact of this variant on WFS1 protein function. In summary, the available evidence is currently insufficient to determine the role of this variant in disease. Therefore, it has been classified as a Variant of Uncertain Significance.

NM_006005.3(WFS1):c.911T>C (p.Ile304Thr)

Gene: WFS1 (wolframin ER transmembrane glycoprotein; plus strand). Cytogenetic location: 4p16.1.
Variant type: single nucleotide variant.
Coding change: c.911T>C on transcript NM_006005.3 (MANE Select); coding-DNA position 911, T replaced by C.
Protein change: p.Ile304Thr; replaces isoleucine 304 with threonine.
Molecular consequence: missense variant.
Genome position (GRCh38, 1-based): chr4:6,300,706, T>C. VCF-style: chr4-6300706-T-C. GRCh37 (hg19) VCF-style: chr4-6302433-T-C.
Other names: c.911T>C, p.Ile304Thr (NM_001145853.1); short protein forms I304T.
Identifiers: ClinVar variation 3714794 (VCV003714794.2).